The following is an entry in ClinVar:

NM_001033044.4(GLUL):c.604T>C (p.Trp202Arg)

Gene: GLUL (glutamate-ammonia ligase; minus strand). Cytogenetic location: 1q25.3.
Variant type: single nucleotide variant.
Coding change: c.604T>C on transcript NM_001033044.4 (MANE Select); coding-DNA position 604, T replaced by C.
Protein change: p.Trp202Arg; replaces tryptophan 202 with arginine.
Molecular consequence: missense variant.
Genome position (GRCh38, 1-based): chr1:182,385,556, A>G on the plus strand (T>C on the coding strand, the complement: GLUL is on the minus strand). VCF-style: chr1-182385556-A-G. GRCh37 (hg19) VCF-style: chr1-182354691-A-G.
Other names: c.604T>C, p.Trp202Arg (NM_001033056.4, NM_002065.7); short protein forms W202R.
Identifiers: ClinVar variation 3899942 (VCV003899942.1).

ClinVar aggregate classification (germline): Likely pathogenic (1 of 4 stars; one submission).

Conditions:
Developmental and epileptic encephalopathy 116. Identifiers: MedGen C5935615, MONDO:0970945, OMIM 620806.

Submission:

Rare Disease Center, Seoul National University Hospital
Classification: Likely pathogenic for Developmental and epileptic encephalopathy 116. Review status: criteria provided, single submitter. Criteria: ACMG Guidelines, 2015. Collection method: clinical testing. Allele origin: de novo. Affected: yes.
Comment: PS2, PM2, PP3